The following is an entry in ClinVar:

NM_000051.4(ATM):c.5821G>T (p.Val1941Phe)

Genes: ATM (ATM serine/threonine kinase; plus strand), C11orf65 (chromosome 11 open reading frame 65; minus strand). Cytogenetic location: 11q22.3.
Variant type: single nucleotide variant.
Coding change: c.5821G>T on transcript NM_000051.4 (MANE Select); coding-DNA position 5821, G replaced by T.
Protein change: p.Val1941Phe; replaces valine 1941 with phenylalanine.
Molecular consequence: missense variant. On other transcripts: intron variant (2).
Genome position (GRCh38, 1-based): chr11:108,310,218, G>T. VCF-style: chr11-108310218-G-T. GRCh37 (hg19) VCF-style: chr11-108180945-G-T.
Other names: c.5821G>T, p.Val1941Phe (NM_001351834.2); c.641-1147C>A (NM_001330368.2); c.*39-1147C>A (NM_001351110.2); short protein forms V1941F.
Identifiers: ClinVar variation 639605 (VCV000639605.9), dbSNP rs147187700, ClinGen allele CA382548401.

ClinVar aggregate classification (germline): Uncertain significance (1 of 4 stars; one submission).

Conditions:
Ataxia-telangiectasia syndrome (AT). Also called: Ataxia-telangiectasia, complementation group D; AT, COMPLEMENTATION GROUP C; ATAXIA-TELANGIECTASIA, COMPLEMENTATION GROUP A; ATAXIA-TELANGIECTASIA, FRESNO VARIANT; Ataxia-telangiectasia; LOUIS-BAR SYNDROME. Identifiers: Orphanet 100, MedGen C0004135, MONDO:0008840, OMIM 208900.

Submission:

Labcorp Genetics (formerly Invitae), Labcorp
Classification: Uncertain significance for Ataxia-telangiectasia syndrome. Last evaluated: 2018-11-19. Review status: criteria provided, single submitter. Criteria: Invitae Variant Classification Sherloc (09022015). Collection method: clinical testing. Allele origin: germline.
Comment: This variant is not present in population databases (ExAC no frequency). In summary, the available evidence is currently insufficient to determine the role of this variant in disease. Therefore, it has been classified as a Variant of Uncertain Significance. Algorithms developed to predict the effect of missense changes on protein structure and function are either unavailable or do not agree on the potential impact of this missense change (SIFT: "Deleterious"; PolyPhen-2: "Probably Damaging"; Align-GVGD: "Class C0"). This variant has not been reported in the literature in individuals with ATM-related disease. This sequence change replaces valine with phenylalanine at codon 1941 of the ATM protein (p.Val1941Phe). The valine residue is highly conserved and there is a small physicochemical difference between valine and phenylalanine.